The following is an entry in ClinVar:

NM_001252102.2(KIF21B):c.2495G>T (p.Arg832Leu)

Gene: KIF21B (kinesin family member 21B; minus strand). Cytogenetic location: 1q32.1.
Variant type: single nucleotide variant.
Coding change: c.2495G>T on transcript NM_001252102.2 (MANE Select); coding-DNA position 2495, G replaced by T.
Protein change: p.Arg832Leu; replaces arginine 832 with leucine.
Molecular consequence: missense variant.
Genome position (GRCh38, 1-based): chr1:200,991,109, C>A on the plus strand (G>T on the coding strand, the complement: KIF21B is on the minus strand). VCF-style: chr1-200991109-C-A. GRCh37 (hg19) VCF-style: chr1-200960237-C-A.
Other names: c.2495G>T, p.Arg832Leu (NM_001252103.2, NM_017596.4, NM_001252100.2); short protein forms R832L.
Identifiers: ClinVar variation 4536554 (VCV004536554.1).
Genomic context (GRCh38, chr1:200,991,109, plus strand): 5'-GCCGACACCTCAGCCCCAGAGTCCAGCATGGGTGGCTTTAGTCCTGCACGCCCTGCCACC[C>A]GCTCAGACATGGGCTTGGCCAGGCGCCTCAGTGCAGAAACCTGGGGCAGCAGGGAGAAAA-3'
Protein context (NP_001239031.1, residues 822-842): LRRLAKPMSE[Arg832Leu]VAGRAGLKPP

ClinVar aggregate classification (germline): Uncertain significance (1 of 4 stars; one submission).

gnomAD v4.1: 1 of 1,613,824 alleles (0.000062%); highest among the groups gnomAD compares: Non-Finnish European, 0.000085%; no homozygotes.

Submission:

GeneDx
Classification: Uncertain significance. Last evaluated: 2025-06-03. Review status: criteria provided, single submitter. Criteria: GeneDx Variant Classification Process June 2021. Collection method: clinical testing. Allele origin: germline. Affected: yes.
Comment: Not observed at significant frequency in large population cohorts (gnomAD); In silico analysis supports that this missense variant has a deleterious effect on protein structure/function; Has not been previously published as pathogenic or benign to our knowledge